The following is an entry in ClinVar:

ClinVar aggregate classification (germline): Conflicting classifications of pathogenicity. Review status: criteria provided, conflicting classifications (1 of 4 stars). 4 submissions from 4 submitters: Likely pathogenic (2); Uncertain significance (1). 1 of the submissions does not count toward it. Last evaluated 2025-09-04.

Conditions:
Autosomal recessive Alport syndrome (ATS2). Also called: ALPORT SYNDROME 2, AUTOSOMAL RECESSIVE; COL4A4 Alport Syndrome and Thin Basement Membrane Nephropathy; Alport syndrome type 2; COL4A3-Related Nephropathy. Identifiers: Orphanet 63, Orphanet 88919, MedGen C4746745, MONDO:0008762, OMIM 203780.
Hematuria, benign familial, 1 (BFH1). Also called: THIN MEMBRANE NEPHROPATHY. Identifiers: MedGen CN376803, MONDO:0007709, OMIM 141200.
Alport syndrome. Also called: Hemorrhagic familial nephritis; Hemorrhagic hereditary nephritis; Congenital hereditary hematuria. Identifiers: Orphanet 63, MedGen C1567741, MONDO:0018965.

Allele frequency attached by ClinVar (database versions not stated): ExAC 0.00001; gnomAD 0.00003.
gnomAD v4.1: 2 of 1,614,068 alleles (0.00012%); highest among the groups gnomAD compares: African/African-American, 0.0027%; no homozygotes.

Submissions (4):

Natera, Inc.
Classification: Likely pathogenic for Alport syndrome. Last evaluated: 2025-09-04. Review status: criteria provided, single submitter. Criteria: Natera Variant Classification Schema (03/2026). Collection method: clinical testing. Allele origin: germline.
Comment: The c.3089G>A variant in COL4A4 is a missense variant predicted to cause substitution of glycine to aspartic acid at amino acid 1030. This variant is rare in the general population with a frequency below the threshold expected for the associated phenotype(s). This variant is located in a functionally critical region of the protein. Computational prediction algorithms indicate this variant is likely to affect gene or protein function. Given the available evidence, this variant is classified as Likely Pathogenic.

Labcorp Genetics (formerly Invitae), Labcorp
Classification: Uncertain significance. Last evaluated: 2025-06-12. Review status: criteria provided, single submitter. Criteria: Invitae Variant Classification Sherloc (09022015). Collection method: clinical testing. Allele origin: germline.
Comment: This sequence change replaces glycine, which is neutral and non-polar, with aspartic acid, which is acidic and polar, at codon 1030 of the COL4A4 protein (p.Gly1030Asp). The frequency data for this variant in the population databases is considered unreliable, as metrics indicate poor data quality at this position in the gnomAD database. This variant has not been reported in the literature in individuals affected with COL4A4-related conditions. ClinVar contains an entry for this variant (Variation ID: 438699). Invitae Evidence Modeling of protein sequence and biophysical properties (such as structural, functional, and spatial information, amino acid conservation, physicochemical variation, residue mobility, and thermodynamic stability) indicates that this missense variant is expected to disrupt COL4A4 protein function with a positive predictive value of 95%. In summary, the available evidence is currently insufficient to determine the role of this variant in disease. Therefore, it has been classified as a Variant of Uncertain Significance.

Fulgent Genetics
Classification: Likely pathogenic for Hematuria, benign familial, 1; Autosomal recessive Alport syndrome. Last evaluated: 2024-05-17. Review status: criteria provided, single submitter. Criteria: ACMG Guidelines, 2015. Collection method: clinical testing. Allele origin: germline.

Bioscientia Institut fuer Medizinische Diagnostik GmbH, Sonic Healthcare
Classification: Likely pathogenic for Autosomal recessive Alport syndrome. Last evaluated: 2017-04-20. Review status: no assertion criteria provided. Collection method: clinical testing. Allele origin: germline. Affected: yes. Not counted in ClinVar's aggregate classification.

NM_000092.5(COL4A4):c.3089G>A (p.Gly1030Asp)

Gene: COL4A4 (collagen type IV alpha 4 chain; minus strand). Cytogenetic location: 2q36.3.
Variant type: single nucleotide variant.
Coding change: c.3089G>A on transcript NM_000092.5 (MANE Select); coding-DNA position 3089, G replaced by A.
Protein change: p.Gly1030Asp; replaces glycine 1030 with aspartic acid.
Molecular consequence: missense variant.
Genome position (GRCh38, 1-based): chr2:227,051,038, C>T on the plus strand (G>A on the coding strand, the complement: COL4A4 is on the minus strand). VCF-style: chr2-227051038-C-T. GRCh37 (hg19) VCF-style: chr2-227915754-C-T.
Other names: short protein forms G1030D.
Identifiers: ClinVar variation 438699 (VCV000438699.9), dbSNP rs772699709, ClinGen allele CA2144637.